The following is an entry in ClinVar:

ClinVar aggregate classification (germline): Uncertain significance (1 of 4 stars; one submission).

Submission:

Labcorp Genetics (formerly Invitae), Labcorp
Classification: Uncertain significance. Last evaluated: 2025-11-08. Review status: criteria provided, single submitter. Criteria: Invitae Variant Classification Sherloc (09022015). Collection method: clinical testing. Allele origin: germline.
Comment: This sequence change falls in intron 16 of the LAMA3 gene. It does not directly change the encoded amino acid sequence of the LAMA3 protein. This variant is not present in population databases (gnomAD no frequency). This variant has not been reported in the literature in individuals affected with LAMA3-related conditions. Algorithms developed to predict the effect of sequence changes on RNA splicing suggest that this variant may disrupt the consensus splice site. In summary, the available evidence is currently insufficient to determine the role of this variant in disease. Therefore, it has been classified as a Variant of Uncertain Significance.

NM_198129.4(LAMA3):c.6836-8T>A

Gene: LAMA3 (laminin subunit alpha 3; plus strand). Cytogenetic location: 18q11.2.
Variant type: single nucleotide variant.
Coding change: c.6836-8T>A on transcript NM_198129.4 (MANE Select); 8 bases into the intron before coding-DNA position 6836, T replaced by A.
Molecular consequence: intron variant.
Genome position (GRCh38, 1-based): chr18:23,907,748, T>A. VCF-style: chr18-23907748-T-A. GRCh37 (hg19) VCF-style: chr18-21487712-T-A.
Other names: c.6668-8T>A (NM_001127717.4); c.2009-8T>A (NM_000227.6); c.1841-8T>A (NM_001127718.4).
Identifiers: ClinVar variation 4730742 (VCV004730742.1).